The following is an entry in ClinVar:

NM_005263.5(GFI1):c.86T>A (p.Leu29Ter)

Gene: GFI1 (growth factor independent 1 transcriptional repressor; minus strand). Cytogenetic location: 1p22.1.
Variant type: single nucleotide variant.
Coding change: c.86T>A on transcript NM_005263.5 (MANE Select); coding-DNA position 86, T replaced by A.
Protein change: p.Leu29Ter; replaces leucine 29 with a stop codon.
Molecular consequence: nonsense.
Genome position (GRCh38, 1-based): chr1:92,483,402, A>T on the plus strand (T>A on the coding strand, the complement: GFI1 is on the minus strand). VCF-style: chr1-92483402-A-T. GRCh37 (hg19) VCF-style: chr1-92948959-A-T.
Other names: c.86T>A, p.Leu29Ter (NM_001127215.3, NM_001127216.3); short protein forms L29*.
Identifiers: ClinVar variation 2859617 (VCV002859617.3), dbSNP rs2524742178, ClinGen allele CA341150729.

ClinVar aggregate classification (germline): Uncertain significance (1 of 4 stars; one submission).

Conditions:
Neutropenia, severe congenital, 2, autosomal dominant. Identifiers: Orphanet 486, MedGen C2751288, MONDO:0013139, OMIM 613107.

Submission:

Labcorp Genetics (formerly Invitae), Labcorp
Classification: Uncertain significance for Neutropenia, severe congenital, 2, autosomal dominant. Last evaluated: 2023-04-26. Review status: criteria provided, single submitter. Criteria: Invitae Variant Classification Sherloc (09022015). Collection method: clinical testing. Allele origin: germline.
Comment: In summary, the available evidence is currently insufficient to determine the role of this variant in disease. Therefore, it has been classified as a Variant of Uncertain Significance. This variant has not been reported in the literature in individuals affected with GFI1-related conditions. This variant is not present in population databases (gnomAD no frequency). This sequence change creates a premature translational stop signal (p.Leu29*) in the GFI1 gene. It is expected to result in an absent or disrupted protein product. However, the current clinical and genetic evidence is not sufficient to establish whether loss-of-function variants in GFI1 cause disease.